The following is an entry in ClinVar:

ClinVar aggregate classification (germline): Conflicting classifications of pathogenicity. Review status: criteria provided, conflicting classifications (1 of 4 stars). 11 submissions from 11 submitters: Uncertain significance (7); Likely benign (1). 3 of the submissions do not count toward it. Last evaluated 2024-12-24.

Conditions:
Hereditary cancer-predisposing syndrome. Also called: Tumor predisposition; Hereditary Cancer Syndrome; Hereditary neoplastic syndrome; Neoplastic Syndromes, Hereditary. Identifiers: Orphanet 140162, MedGen C0027672, MeSH D009386, MONDO:0015356.
Fanconi anemia (FA). Also called: Fanconi's anemia. Identifiers: Orphanet 84, MedGen C0015625, MeSH D005199, MONDO:0019391.
Fanconi anemia complementation group C (FANCC). Also called: FANCONI PANCYTOPENIA, TYPE 3; FACC; FANCC-Related Fanconi Anemia; Fanconi anemia, group C. Identifiers: Orphanet 84, MedGen C3468041, MONDO:0009213, OMIM 227645.
Malignant tumor of breast. Also called: Malignant breast neoplasm; Cancer breast. Identifiers: MedGen C0006142, MONDO:0007254. Disease mechanism: loss of function.

Allele frequency attached by ClinVar (database versions not stated): gnomAD exomes 0.00006; ExAC 0.00007; gnomAD 0.00010; TOPMed 0.00011; ESP Exome Variant Server 0.00031.
gnomAD v4.1: 241 of 1,614,026 alleles (0.015%); highest among the groups gnomAD compares: Non-Finnish European, 0.019%; no homozygotes.

Submissions (11):

Labcorp Genetics (formerly Invitae), Labcorp
Classification: Uncertain significance for Fanconi anemia. Last evaluated: 2024-12-24. Review status: criteria provided, single submitter. Criteria: Invitae Variant Classification Sherloc (09022015). Collection method: clinical testing. Allele origin: germline.
Comment: This sequence change replaces glutamic acid, which is acidic and polar, with lysine, which is basic and polar, at codon 417 of the FANCC protein (p.Glu417Lys). This variant is present in population databases (rs140687953, gnomAD 0.02%). This missense change has been observed in individual(s) with breast cancer (PMID: 21520333). ClinVar contains an entry for this variant (Variation ID: 182485). Invitae Evidence Modeling of protein sequence and biophysical properties (such as structural, functional, and spatial information, amino acid conservation, physicochemical variation, residue mobility, and thermodynamic stability) indicates that this missense variant is not expected to disrupt FANCC protein function with a negative predictive value of 80%. In summary, the available evidence is currently insufficient to determine the role of this variant in disease. Therefore, it has been classified as a Variant of Uncertain Significance.

GeneDx
Classification: Uncertain significance. Last evaluated: 2024-09-12. Review status: criteria provided, single submitter. Criteria: GeneDx Variant Classification Process June 2021. Collection method: clinical testing. Allele origin: germline. Affected: yes.
Comment: In silico analysis supports that this missense variant has a deleterious effect on protein structure/function; Observed in individuals with breast cancer and in unaffected controls (PMID: 33471991, 32885271); Absent in individuals with ovarian cancer but observed in unaffected controls (PMID: 32546565); This variant is associated with the following publications: (PMID: 14695169, Gordon2000[Book], 33471991, 32546565, 32885271)

Quest Diagnostics Nichols Institute San Juan Capistrano
Classification: Uncertain significance. Last evaluated: 2024-05-28. Review status: criteria provided, single submitter. Criteria: Quest Diagnostics criteria. Collection method: clinical testing. Allele origin: unknown.
Comment: The FANCC c.1249G>A (p.Glu417Lys) variant has been reported in the published literature in an individual with early-onset breast cancer (PMID: 32885271 (2021)). However, in multiple association studies, this variant has been reported both in individuals with breast and ovarian cancer as well as in reportedly healthy individuals (PMIDs: 14695169 (2003), 32546565 (2021), 33471991 (2021) see also LOVD). The frequency of this variant in the general population, 0.0002 (5/24958 chromosomes (Genome Aggregation Database)), is uninformative in the assessment of its pathogenicity. Analysis of this variant using bioinformatics tools for the prediction of the effect of amino acid changes on protein structure and function yielded conflicting predictions that this variant is benign or damaging. Based on the available information, we are unable to determine the clinical significance of this variant.

Fulgent Genetics
Classification: Uncertain significance for Fanconi anemia complementation group C. Last evaluated: 2024-05-20. Review status: criteria provided, single submitter. Criteria: ACMG Guidelines, 2015. Collection method: clinical testing. Allele origin: germline.

St. Jude Molecular Pathology, St. Jude Children's Research Hospital
Classification: Uncertain significance for Fanconi anemia complementation group C. Last evaluated: 2024-03-08. Review status: criteria provided, single submitter. Criteria: St. Jude Assertion Criteria 2020. Collection method: clinical testing. Allele origin: germline.
Comment: The FANCC c.1249G>A (p.Glu417Lys) missense change has a maximum subpopulation frequency of 0.02% in gnomAD v2.1.1. The in silico tool REVEL predicts a benign effect on protein function, but to our knowledge this prediction has not been confirmed by functional studies. In summary, the evidence currently available is insufficient to determine the clinical significance of this variant. It has therefore been classified as of uncertain significance.

Ambry Genetics
Classification: Likely benign for Hereditary cancer-predisposing syndrome. Last evaluated: 2024-01-05. Review status: criteria provided, single submitter. Criteria: Ambry Variant Classification Scheme 2023. Collection method: clinical testing. Allele origin: germline.

Sema4
Classification: Uncertain significance for Fanconi anemia. Last evaluated: 2021-06-09. Review status: criteria provided, single submitter. Criteria: Sema4 Curation Guidelines. Collection method: curation. Allele origin: germline.
Comment: The FANCC c.1249G>A (p.E417K) variant has been reported in several individuals with breast cancer, but was also identified in healthy controls (PMID: 33471991,14695169, 32546565). It was observed in 5/24958 chromosomes of the African/African American subpopulation in the large and broad cohorts of the Genome Aggregation Database (PMID: 32461654). The variant has been reported in ClinVar (Variation ID 182485). In silico tools suggest the impact of the variant on protein function is inconclusive, though these predictions have not been confirmed by functional studies. The evidence is insufficient to meet ACMG/AMP criteria for classifying the variant as benign or pathogenic. Thus, the clinical significance of this variant is currently uncertain.

Baylor Genetics
Classification: Uncertain significance for Fanconi anemia complementation group C. Last evaluated: 2021-02-09. Review status: criteria provided, single submitter. Criteria: ACMG Guidelines, 2015. Collection method: clinical testing. Allele origin: unknown. Affected: yes. Study: CSER-TexasKidsCanSeq.
Comment: This variant was determined to be of uncertain significance according to ACMG Guidelines, 2015 [PMID:25741868].

Natera, Inc.
Classification: Uncertain significance for Fanconi anemia, group C. Last evaluated: 2020-09-16. Review status: no assertion criteria provided. Collection method: clinical testing. Allele origin: germline. Not counted in ClinVar's aggregate classification.

Leiden Open Variation Database
Classification: Uncertain significance. Last evaluated: 2020-02-28. Review status: no assertion criteria provided. Collection method: curation. Allele origin: germline. Affected: yes. Not counted in ClinVar's aggregate classification.
Comment: Curator: Arleen D. Auerbach. Submitter to LOVD: Arleen D. Auerbach.

Department of Pathology and Laboratory Medicine, Sinai Health System
Classification: Uncertain significance for Malignant tumor of breast. Review status: no assertion criteria provided. Collection method: clinical testing. Allele origin: unknown. Affected: yes. Study: The Canadian Open Genetics Repository (COGR). Not counted in ClinVar's aggregate classification.
Comment: The FANCC p.Glu417Lys variant was identified in 1 of 172 proband chromosomes (frequency: 0.006) from individuals or families with breast cancer and was present in 1 of 600 control chromosomes (frequency: 0.002) from healthy individuals (Seal 2003). The variant was also identified in dbSNP (ID: rs140687953) as "With Uncertain significance allele", ClinVar (classified as uncertain significance by GeneDx, Invitae and Ambry Genetics), and LOVD 3.0 (not classified). The variant was identified in control databases in 18 of 277164 chromosomes at a frequency of 0.00007 (Genome Aggregation Database Feb 27, 2017). The variant was observed in the following populations: African in 5 of 24026 chromosomes (freq: 0.0002), Latino in 2 of 34418 chromosomes (freq: 0.00006), and European Non-Finnish in 11 of 126668 chromosomes (freq: 0.00009), while the variant was not observed in the Other, Ashkenazi Jewish, East Asian, European Finnish, or South Asian populations. The p.Glu417 residue is conserved in mammals but not in more distantly related organisms; however four out of five computational analyses (PolyPhen-2, SIFT, AlignGVGD, BLOSUM, MutationTaster) do not suggest a high likelihood of impact to the protein; this information is not predictive enough to rule out pathogenicity. The variant occurs outside of the splicing consensus sequence and in silico or computational prediction software programs (SpliceSiteFinder, MaxEntScan, NNSPLICE, GeneSplicer) do not predict a difference in splicing. In summary, based on the above information, the clinical significance of this variant cannot be determined with certainty at this time. This variant is classified as a variant of uncertain significance.

Literature cited by the submitters: PubMed 21520333 (cited by Labcorp Genetics (formerly Invitae), Labcorp); PubMed 33471991 (cited by 3 submitters); PubMed 32885271 (cited by Quest Diagnostics Nichols Institute San Juan Capistrano and Ambry Genetics); PubMed 32546565 (cited by 3 submitters); PubMed 14695169 (cited by 4 submitters).

NM_000136.3(FANCC):c.1249G>A (p.Glu417Lys)

Genes: FANCC (FA complementation group C; minus strand), AOPEP (aminopeptidase O (putative); plus strand). Cytogenetic location: 9q22.32.
Variant type: single nucleotide variant.
Coding change: c.1249G>A on transcript NM_000136.3 (MANE Select); coding-DNA position 1249, G replaced by A.
Protein change: p.Glu417Lys; replaces glutamic acid 417 with lysine.
Molecular consequence: missense variant.
Genome position (GRCh38, 1-based): chr9:95,111,543, C>T on the plus strand (G>A on the coding strand, the complement: FANCC is on the minus strand). VCF-style: chr9-95111543-C-T. GRCh37 (hg19) VCF-style: chr9-97873825-C-T.
Other names: p.E417K:GAA>AAA; c.1249G>A, p.Glu417Lys (NM_001243743.2, NM_001243744.2); short protein forms E417K.
Identifiers: ClinVar variation 182485 (VCV000182485.22), dbSNP rs140687953, ClinGen allele CA299184.